The following is an entry in ClinVar:

NM_020686.6(ABAT):c.1394G>A (p.Gly465Asp)

Gene: ABAT (4-aminobutyrate aminotransferase; plus strand). Cytogenetic location: 16p13.2.
Variant type: single nucleotide variant.
Coding change: c.1394G>A on transcript NM_020686.6 (MANE Select); coding-DNA position 1394, G replaced by A.
Protein change: p.Gly465Asp; replaces glycine 465 with aspartic acid.
Molecular consequence: missense variant.
Genome position (GRCh38, 1-based): chr16:8,781,321, G>A. VCF-style: chr16-8781321-G-A. GRCh37 (hg19) VCF-style: chr16-8875178-G-A.
Other names: hg38g.8781321G>A; c.1394G>A, p.Gly465Asp (NM_000663.5, NM_001127448.2, NM_001386600.1 and 4 more transcripts); c.1355G>A, p.Gly452Asp (NM_001386605.1); c.1331G>A, p.Gly444Asp (NM_001386606.1, NM_001386607.1); c.1301G>A, p.Gly434Asp (NM_001386608.1); c.1282G>A, p.Val428Met (NM_001386609.1); c.1259G>A, p.Gly420Asp (NM_001386610.1, NM_001386611.1); c.1196G>A, p.Gly399Asp (NM_001386612.1, NM_001386613.1); and 3 more; short protein forms G465D, G383D, G399D, G420D, G434D, G444D, G452D, G497D.
Identifiers: ClinVar variation 389161 (VCV000389161.5), dbSNP rs1057523345, ClinGen allele CA16607451.

ClinVar aggregate classification (germline): Conflicting classifications of pathogenicity. Review status: criteria provided, conflicting classifications (1 of 4 stars). 2 submissions from 2 submitters: Pathogenic (1); Uncertain significance (1). Last evaluated 2019-02-01.

Conditions:
Gamma-aminobutyric acid transaminase deficiency (GABATD). Also called: GABA transaminase deficiency; Gamma aminobutyrate transaminase deficiency; 4 alpha aminobutyrate transaminase deficiency; GABA aminotransaminase deficiency. Identifiers: Orphanet 2066, MedGen C0342708, MONDO:0013166, OMIM 613163.

Submissions (2):

Elsea Laboratory, Baylor College of Medicine
Classification: Pathogenic for Gamma-aminobutyric acid transaminase deficiency. Last evaluated: 2019-02-01. Review status: criteria provided, single submitter. Criteria: ABAT.assertions.Elsea.docx. Collection method: clinical testing. Allele origin: germline. Affected: yes.

GeneDx
Classification: Uncertain significance. Last evaluated: 2016-09-15. Review status: criteria provided, single submitter. Criteria: GeneDx Variant Classification (06012015). Collection method: clinical testing. Allele origin: germline. Affected: yes.
Comment: The G465D variant in the ABAT gene has not been reported previously as a pathogenic variant, nor as a benign variant, to our knowledge. The G465D variant was not observed in approximately 6,500 individuals of European and African American ancestry in the NHLBI Exome Sequencing Project, indicating it is not a common benign variant in these populations. The G465D variant is a non-conservative amino acid substitution, which is likely to impact secondary protein structure as these residues differ in polarity, charge, size and/or other properties. This substitution occurs at a position that is conserved across species. In silico analysis predicts this variant is probably damaging to the protein structure/function. We interpret G465D as a variant of uncertain significance.

Literature cited by the submitters: PubMed 31133775 (cited by Elsea Laboratory, Baylor College of Medicine).